The following is an entry in ClinVar:

NM_182548.4(LHFPL5):c.98C>T (p.Thr33Ile)

Gene: LHFPL5 (LHFPL tetraspan subfamily member 5; plus strand). Cytogenetic location: 6p21.31.
Variant type: single nucleotide variant.
Coding change: c.98C>T on transcript NM_182548.4 (MANE Select); coding-DNA position 98, C replaced by T.
Protein change: p.Thr33Ile; replaces threonine 33 with isoleucine.
Molecular consequence: missense variant.
Genome position (GRCh38, 1-based): chr6:35,805,768, C>T. VCF-style: chr6-35805768-C-T. GRCh37 (hg19) VCF-style: chr6-35773545-C-T.
Other names: short protein forms T33I.
Identifiers: ClinVar variation 5017687 (VCV005017687.1).

ClinVar aggregate classification (germline): Uncertain significance (1 of 4 stars; one submission).

gnomAD v4.1: 1 of 1,614,254 alleles (0.000062%); highest among the groups gnomAD compares: Non-Finnish European, 0.000085%; no homozygotes.

Submission:

GeneDx
Classification: Uncertain significance. Last evaluated: 2026-04-03. Review status: criteria provided, single submitter. Criteria: GeneDx Variant Classification Process June 2021. Collection method: clinical testing. Allele origin: germline.
Comment: Not observed at significant frequency in large population cohorts (gnomAD); In silico analysis supports that this missense variant has a deleterious effect on protein structure/function; Has not been previously published as pathogenic or benign to our knowledge